The following is an entry in ClinVar:

ClinVar aggregate classification (germline): Uncertain significance (1 of 4 stars; one submission).

Submission:

Labcorp Genetics (formerly Invitae), Labcorp
Classification: Uncertain significance. Last evaluated: 2022-03-10. Review status: criteria provided, single submitter. Criteria: Invitae Variant Classification Sherloc (09022015). Collection method: clinical testing. Allele origin: germline.
Comment: This sequence change replaces phenylalanine, which is neutral and non-polar, with serine, which is neutral and polar, at codon 18 of the EYS protein (p.Phe18Ser). This variant is not present in population databases (gnomAD no frequency). This variant has not been reported in the literature in individuals affected with EYS-related conditions. ClinVar contains an entry for this variant (Variation ID: 1008280). Algorithms developed to predict the effect of missense changes on protein structure and function (SIFT, PolyPhen-2, Align-GVGD) all suggest that this variant is likely to be tolerated. In summary, the available evidence is currently insufficient to determine the role of this variant in disease. Therefore, it has been classified as a Variant of Uncertain Significance.

NM_001142800.2(EYS):c.53T>C (p.Phe18Ser)

Gene: EYS (EGF-like photoreceptor maintenance factor; minus strand). Cytogenetic location: 6q12.
Variant type: single nucleotide variant.
Coding change: c.53T>C on transcript NM_001142800.2 (MANE Select); coding-DNA position 53, T replaced by C.
Protein change: p.Phe18Ser; replaces phenylalanine 18 with serine.
Molecular consequence: missense variant.
Genome position (GRCh38, 1-based): chr6:65,495,358, A>G on the plus strand (T>C on the coding strand, the complement: EYS is on the minus strand). VCF-style: chr6-65495358-A-G. GRCh37 (hg19) VCF-style: chr6-66205251-A-G.
Other names: c.53T>C, p.Phe18Ser (NM_001142801.2, NM_001292009.2, NM_198283.2); short protein forms F18S.
Identifiers: ClinVar variation 1008280 (VCV001008280.8), dbSNP rs1766218722, ClinGen allele CA364790756.